The following is an entry in ClinVar:

ClinVar aggregate classification (germline): Uncertain significance (1 of 4 stars; one submission).

Allele frequency attached by ClinVar (database versions not stated): gnomAD exomes below 0.00001; TOPMed 0.00001.
gnomAD v4.1: 1 of 1,536,262 alleles (0.000065%); highest among the groups gnomAD compares: Non-Finnish European, 0.000087%; no homozygotes.

Submission:

Labcorp Genetics (formerly Invitae), Labcorp
Classification: Uncertain significance. Last evaluated: 2023-10-29. Review status: criteria provided, single submitter. Criteria: Invitae Variant Classification Sherloc (09022015). Collection method: clinical testing. Allele origin: germline.
Comment: This sequence change replaces glutamine, which is neutral and polar, with histidine, which is basic and polar, at codon 861 of the ARHGEF18 protein (p.Gln861His). This variant is not present in population databases (gnomAD no frequency). This variant has not been reported in the literature in individuals affected with ARHGEF18-related conditions. An algorithm developed to predict the effect of missense changes on protein structure and function (PolyPhen-2) suggests that this variant is likely to be disruptive. In summary, the available evidence is currently insufficient to determine the role of this variant in disease. Therefore, it has been classified as a Variant of Uncertain Significance.

NM_001367823.1(ARHGEF18):c.3147G>C (p.Gln1049His)

Gene: ARHGEF18 (Rho/Rac guanine nucleotide exchange factor 18; plus strand). Cytogenetic location: 19p13.2.
Variant type: single nucleotide variant.
Coding change: c.3147G>C on transcript NM_001367823.1 (MANE Select); coding-DNA position 3147, G replaced by C.
Protein change: p.Gln1049His; replaces glutamine 1049 with histidine.
Molecular consequence: missense variant.
Genome position (GRCh38, 1-based): chr19:7,467,351, G>C. VCF-style: chr19-7467351-G-C. GRCh37 (hg19) VCF-style: chr19-7532237-G-C.
Other names: c.2421G>C, p.Gln807His (NM_001130955.2); c.2109G>C, p.Gln703His (NM_001367824.1, NM_015318.4); short protein forms Q1049H, Q703H, Q807H.
Identifiers: ClinVar variation 2781434 (VCV002781434.2), dbSNP rs1457400687, ClinGen allele CA403087308.
Genomic context (GRCh38, chr19:7,467,351, plus strand): 5'-GCAGTCGACGCGTGGGAACCTGCTGCTGGAGCAGGAGCGGCAACGCAACTTCGAGAAGCA[G>C]CGGGAGGAGCGCGCGGCCCTGGAGAAGCTGCAGAGCCAGCTGCGGCACGAGCAGCAGCGC-3'
Protein context (NP_001354752.1, residues 1039-1059): EQERQRNFEK[Gln1049His]REERAALEKL